The following is an entry in ClinVar:

NM_002448.3(MSX1):c.541_546delinsCTTCA (p.Thr181fs)

Gene: MSX1 (msh homeobox 1; plus strand). Cytogenetic location: 4p16.2.
Variant type: Indel.
Coding change: c.541_546delinsCTTCA on transcript NM_002448.3 (MANE Select); coding-DNA positions 541 to 546, ACCGCG replaced by CTTCA.
Protein change: p.Thr181fs; shifts the reading frame from threonine 181.
Molecular consequence: frameshift variant.
Genome position (GRCh38, 1-based): chr4:4,862,772-4,862,777, ACCGCG replaced by CTTCA. VCF-style: chr4-4862772-ACCGCG-CTTCA. GRCh37 (hg19) VCF-style: chr4-4864499-ACCGCG-CTTCA.
Other names: c.541_546delACCGCGinsCTTCA (NM_002448.3); short protein forms T181fs.
Identifiers: ClinVar variation 4111440 (VCV004111440.1).
Genomic context (GRCh38, chr4:4,862,772, plus strand): 5'-CCCCCAGCCTGCACCCTCCGCAAACACAAGACGAACCGTAAGCCGCGGACGCCCTTCACC[ACCGCG>CTTCA]CAGCTGCTGGCGCTGGAGCGCAAGTTCCGCCAGAAGCAGTACCTGTCCATCGCCGAGCGC-3'

ClinVar aggregate classification (germline): Pathogenic (1 of 4 stars; one submission).

Conditions:
Inborn genetic diseases. Identifiers: MedGen C0950123, MeSH D030342.

Submission:

Ambry Genetics
Classification: Pathogenic for Inborn genetic diseases. Last evaluated: 2025-09-09. Review status: criteria provided, single submitter. Criteria: Ambry Variant Classification Scheme 2023. Collection method: clinical testing. Allele origin: germline.
Comment: The c.541_546delACCGCGinsCTTCA (p.T181Lfs*36) alteration, located in exon 2 (coding exon 2) of the MSX1 gene, consists of a deletion of 6 and insertion of 5 nucleotides causing a translational frameshift at position 541 with a predicted alternate stop codon after 36 amino acids. This variant is not expected to trigger nonsense-mediated mRNA decay, and impacts the last 40.6% of the protein. However, premature stop codons are typically deleterious in nature and the impacted region is critical for protein function (Ambry internal data). This variant was not reported in population-based cohorts in the Genome Aggregation Database (gnomAD). Based on the available evidence, this alteration is classified as pathogenic.